The following is an entry in ClinVar:

ClinVar aggregate classification (germline): Uncertain significance. Review status: criteria provided, multiple submitters, no conflicts (2 of 4 stars). 2 submissions from 2 submitters: Uncertain significance (2). Last evaluated 2025-03-10.

Conditions:
Norman-Roberts syndrome (LIS2). Also called: Lissencephaly 2 (Norman-Roberts type). Identifiers: Orphanet 89844, MedGen C0796089, MONDO:0009760, OMIM 257320.
Familial temporal lobe epilepsy 7. Identifiers: Orphanet 101046, MedGen C4225327, MONDO:0014639, OMIM 616436.
Inborn genetic diseases. Identifiers: MedGen C0950123, MeSH D030342.

Allele frequency attached by ClinVar (database versions not stated): TOPMed 0.00004; gnomAD exomes 0.00001 and 0.00002; ExAC 0.00002.
gnomAD v4.1: 39 of 1,613,718 alleles (0.0024%); highest among the groups gnomAD compares: Admixed American, 0.0033%; no homozygotes.

Submissions (2):

Labcorp Genetics (formerly Invitae), Labcorp
Classification: Uncertain significance for Familial temporal lobe epilepsy 7; Norman-Roberts syndrome. Last evaluated: 2025-03-10. Review status: criteria provided, single submitter. Criteria: Invitae Variant Classification Sherloc (09022015). Collection method: clinical testing. Allele origin: germline.
Comment: This sequence change replaces threonine, which is neutral and polar, with alanine, which is neutral and non-polar, at codon 1234 of the RELN protein (p.Thr1234Ala). This variant is present in population databases (rs758305250, gnomAD 0.003%). This variant has not been reported in the literature in individuals affected with RELN-related conditions. ClinVar contains an entry for this variant (Variation ID: 969213). Invitae Evidence Modeling of protein sequence and biophysical properties (such as structural, functional, and spatial information, amino acid conservation, physicochemical variation, residue mobility, and thermodynamic stability) indicates that this missense variant is not expected to disrupt RELN protein function with a negative predictive value of 80%. In summary, the available evidence is currently insufficient to determine the role of this variant in disease. Therefore, it has been classified as a Variant of Uncertain Significance.

Ambry Genetics
Classification: Uncertain significance for Inborn genetic diseases. Last evaluated: 2023-02-23. Review status: criteria provided, single submitter. Criteria: Ambry Variant Classification Scheme 2023. Collection method: clinical testing. Allele origin: germline.

NM_005045.4(RELN):c.3700A>G (p.Thr1234Ala)

Gene: RELN (reelin; minus strand). Cytogenetic location: 7q22.1.
Variant type: single nucleotide variant.
Coding change: c.3700A>G on transcript NM_005045.4 (MANE Select); coding-DNA position 3700, A replaced by G.
Protein change: p.Thr1234Ala; replaces threonine 1234 with alanine.
Molecular consequence: missense variant.
Genome position (GRCh38, 1-based): chr7:103,594,332, T>C on the plus strand (A>G on the coding strand, the complement: RELN is on the minus strand). VCF-style: chr7-103594332-T-C. GRCh37 (hg19) VCF-style: chr7-103234779-T-C.
Other names: c.3700A>G, p.Thr1234Ala (NM_173054.3); short protein forms T1234A.
Identifiers: ClinVar variation 969213 (VCV000969213.11), dbSNP rs758305250, ClinGen allele CA4421687.